The following is an entry in ClinVar:

ClinVar aggregate classification (germline): Uncertain significance (1 of 4 stars; one submission).

Submission:

Labcorp Genetics (formerly Invitae), Labcorp
Classification: Uncertain significance. Last evaluated: 2025-09-22. Review status: criteria provided, single submitter. Criteria: Invitae Variant Classification Sherloc (09022015). Collection method: clinical testing. Allele origin: germline.
Comment: This sequence change replaces histidine, which is basic and polar, with aspartic acid, which is acidic and polar, at codon 2442 of the DCHS1 protein (p.His2442Asp). This variant is not present in population databases (gnomAD no frequency). This variant has not been reported in the literature in individuals affected with DCHS1-related conditions. Invitae Evidence Modeling of protein sequence and biophysical properties (such as structural, functional, and spatial information, amino acid conservation, physicochemical variation, residue mobility, and thermodynamic stability) indicates that this missense variant is not expected to disrupt DCHS1 protein function with a negative predictive value of 95%. In summary, the available evidence is currently insufficient to determine the role of this variant in disease. Therefore, it has been classified as a Variant of Uncertain Significance.

NM_003737.4(DCHS1):c.7324C>G (p.His2442Asp)

Gene: DCHS1 (dachsous cadherin-related 1; minus strand). Cytogenetic location: 11p15.4.
Variant type: single nucleotide variant.
Coding change: c.7324C>G on transcript NM_003737.4 (MANE Select); coding-DNA position 7324, C replaced by G.
Protein change: p.His2442Asp; replaces histidine 2442 with aspartic acid.
Molecular consequence: missense variant.
Genome position (GRCh38, 1-based): chr11:6,624,352, G>C on the plus strand (C>G on the coding strand, the complement: DCHS1 is on the minus strand). VCF-style: chr11-6624352-G-C. GRCh37 (hg19) VCF-style: chr11-6645583-G-C.
Other names: short protein forms H2442D.
Identifiers: ClinVar variation 4803243 (VCV004803243.1).